The following is an entry in ClinVar:

ClinVar aggregate classification (germline): Uncertain significance. Review status: criteria provided, multiple submitters, no conflicts (2 of 4 stars). 5 submissions from 5 submitters: Uncertain significance (4). 1 of the submissions does not count toward it. Last evaluated 2024-12-16.

Conditions:
Fanconi anemia (FA). Also called: Fanconi's anemia. Identifiers: Orphanet 84, MedGen C0015625, MeSH D005199, MONDO:0019391.
Inborn genetic diseases. Identifiers: MedGen C0950123, MeSH D030342.

Allele frequency attached by ClinVar (database versions not stated): gnomAD 0.00001; gnomAD exomes 0.00001 and 0.00002; TOPMed 0.00001.
gnomAD v4.1: 14 of 1,516,640 alleles (0.00092%); highest among the groups gnomAD compares: East Asian, 0.0026%; no homozygotes.

Submissions (5):

Ambry Genetics
Classification: Uncertain significance for Inborn genetic diseases. Last evaluated: 2024-12-16. Review status: criteria provided, single submitter. Criteria: Ambry Variant Classification Scheme 2023. Collection method: clinical testing. Allele origin: germline.
Comment: The p.G16E variant (also known as c.47G>A), located in coding exon 1 of the FANCA gene, results from a G to A substitution at nucleotide position 47. The glycine at codon 16 is replaced by glutamic acid, an amino acid with similar properties. This amino acid position is conserved. In addition, this alteration is predicted to be tolerated by in silico analysis. Based on the available evidence, the clinical significance of this variant remains unclear.

Quest Diagnostics Nichols Institute San Juan Capistrano
Classification: Uncertain significance. Last evaluated: 2024-11-25. Review status: criteria provided, single submitter. Criteria: Quest Diagnostics criteria. Collection method: clinical testing. Allele origin: unknown.
Comment: The FANCA c.47G>A (p.Gly16Glu) variant has not been reported in individuals with FANCA-related conditions in the published literature. The frequency of this variant in the general population, 0.000018 (2/113254 chromosomes (Genome Aggregation Database)), is uninformative in the assessment of its pathogenicity. Analysis of this variant using bioinformatics tools for the prediction of the effect of amino acid changes on protein structure and function yielded predictions that this variant is benign. Based on the available information, we are unable to determine the clinical significance of this variant.

Labcorp Genetics (formerly Invitae), Labcorp
Classification: Uncertain significance for Fanconi anemia. Last evaluated: 2022-09-19. Review status: criteria provided, single submitter. Criteria: Invitae Variant Classification Sherloc (09022015). Collection method: clinical testing. Allele origin: germline.
Comment: This sequence change replaces glycine, which is neutral and non-polar, with glutamic acid, which is acidic and polar, at codon 16 of the FANCA protein (p.Gly16Glu). The frequency data for this variant in the population databases is considered unreliable, as metrics indicate poor data quality at this position in the gnomAD database. This variant has not been reported in the literature in individuals affected with FANCA-related conditions. ClinVar contains an entry for this variant (Variation ID: 967432). Advanced modeling of protein sequence and biophysical properties (such as structural, functional, and spatial information, amino acid conservation, physicochemical variation, residue mobility, and thermodynamic stability) performed at Invitae indicates that this missense variant is expected to disrupt FANCA protein function. In summary, the available evidence is currently insufficient to determine the role of this variant in disease. Therefore, it has been classified as a Variant of Uncertain Significance.

Sema4
Classification: Uncertain significance for Fanconi anemia. Last evaluated: 2021-11-22. Review status: criteria provided, single submitter. Criteria: Sema4 Curation Guidelines. Collection method: curation. Allele origin: germline.
Comment: To the best of our knowledge, the FANCA c.47G>A (p.G16E) variant has not been reported in individuals with FANCA-related disease. This variant was observed in 2/113254 chromosomes in the Genome Aggregation Database (PMID: 32461654). This variant has been reported in ClinVar (Variation ID: 967432). Functional studies have not been performed, and in silico predictions of the variant's effect on protein function are inconclusive. The evidence is insufficient to meet ACMG/AMP criteria for classifying the variant as benign or pathogenic. Thus, the clinical significance of this variant is currently uncertain.

Natera, Inc.
Classification: Uncertain significance for Fanconi anemia. Last evaluated: 2019-11-11. Review status: no assertion criteria provided. Collection method: clinical testing. Allele origin: germline. Not counted in ClinVar's aggregate classification.

NM_000135.4(FANCA):c.47G>A (p.Gly16Glu)

Genes: FANCA (FA complementation group A; minus strand), LOC112486223 (Sharpr-MPRA regulatory region 3988; plus strand). Cytogenetic location: 16q24.3.
Variant type: single nucleotide variant.
Coding change: c.47G>A on transcript NM_000135.4 (MANE Select); coding-DNA position 47, G replaced by A.
Protein change: p.Gly16Glu; replaces glycine 16 with glutamic acid.
Molecular consequence: missense variant.
Genome position (GRCh38, 1-based): chr16:89,816,569, C>T on the plus strand (G>A on the coding strand, the complement: FANCA is on the minus strand). VCF-style: chr16-89816569-C-T. GRCh37 (hg19) VCF-style: chr16-89882977-C-T.
Other names: c.47G>A, p.Gly16Glu (NM_001018112.3, NM_001286167.3, NM_001351830.2); c.47G>A (NM_000135.3); short protein forms G16E.
Identifiers: ClinVar variation 967432 (VCV000967432.12), dbSNP rs908258968, ClinGen allele CA286612753.